The following is an entry in ClinVar:

NM_022788.5(P2RY12):c.*10_*13del

Genes: MED12L (mediator complex subunit 12L; plus strand), P2RY12 (purinergic receptor P2Y12; minus strand). Cytogenetic location: 3q25.1.
Variant type: Deletion.
Coding change: c.*10_*13del on transcript NM_022788.5 (MANE Select); 10 bases downstream of the stop codon through 13 bases downstream of the stop codon, 4 bases deleted (CTAA; older notation c.*10_*13delCTAA).
Molecular consequence: 3 prime UTR variant. On other transcripts: intron variant (2).
Genome position (GRCh38, 1-based): chr3:151,337,804-151,337,807, TTAG deleted on the plus strand (CTAA on the coding strand, the reverse complement: P2RY12 is on the minus strand); deleting any 4 consecutive bases within chr3:151,337,804-151,337,810 gives the same sequence; the c. name uses the placement nearest the transcript's 3' end. VCF-style (leftmost placement, unchanged base first): chr3-151337803-CTTAG-C. GRCh37 (hg19) VCF-style: chr3-151055591-CTTAG-C.
Other names: c.*10_*13del (NM_176876.3); c.2251-12252_2251-12249del (NM_001393769.1); c.2146-12252_2146-12249del (NM_053002.6); c.*10_*13delCTAA (NM_022788.5).
Identifiers: ClinVar variation 3384852 (VCV003384852.2).

ClinVar aggregate classification (germline): Conflicting classifications of pathogenicity. Review status: criteria provided, conflicting classifications (1 of 4 stars). 2 submissions from 2 submitters: Uncertain significance (1); Likely benign (1). Last evaluated 2024-10-08.

Submissions (2):

Women's Health and Genetics/Laboratory Corporation of America, LabCorp
Classification: Uncertain significance. Last evaluated: 2024-10-08. Review status: criteria provided, single submitter. Criteria: LabCorp Variant Classification Summary - May 2015. Collection method: clinical testing. Allele origin: germline.
Comment: Variant summary: P2RY12 c.*10_*13delCTAA is located in the untranslated mRNA region downstream of the termination codon. The variant allele was found at a frequency of 3.2e-05 in 250388 control chromosomes. The available data on variant occurrences in the general population are insufficient to allow any conclusion about variant significance. To our knowledge, no occurrence of c.*10_*13delCTAA in individuals affected with Platelet-Type Bleeding Disorder 8 and no experimental evidence demonstrating its impact on protein function have been reported. No submitters have cited clinical-significance assessments for this variant to ClinVar. Based on the evidence outlined above, the variant was classified as uncertain significance.

Blueprint Genetics
Classification: Likely benign. Last evaluated: 2023-10-11. Review status: criteria provided, single submitter. Criteria: ACMG Guidelines, 2015. Collection method: clinical testing. Allele origin: germline.